The following is an entry in ClinVar:

ClinVar aggregate classification (germline): Pathogenic (1 of 4 stars; one submission).

Submission:

Labcorp Genetics (formerly Invitae), Labcorp
Classification: Pathogenic. Last evaluated: 2023-02-03. Review status: criteria provided, single submitter. Criteria: Invitae Variant Classification Sherloc (09022015). Collection method: clinical testing. Allele origin: unknown.
Comment: For these reasons, this variant has been classified as Pathogenic. This variant has not been reported in the literature in individuals affected with USH2A-related conditions. This variant is a gross deletion of the genomic region encompassing exon(s) 4-44 of the USH2A gene. This deletion is out-of-frame, and is expected to create a premature termination codon and result in an absent or disrupted protein product. Loss-of-function variants in USH2A are known to be pathogenic (PMID: 10729113, 10909849, 20507924, 25649381).

Literature cited by the submitters: PubMed 10729113; PubMed 10909849; PubMed 20507924; PubMed 25649381.

NC_000001.10:g.(?_216039721)_(216538447_?)del

Gene: USH2A (usherin; minus strand). Cytogenetic location: 1q41.
Variant type: Deletion.
Identifiers: ClinVar variation 3248066 (VCV003248066.1).